The following is an entry in ClinVar:

ClinVar aggregate classification (germline): Likely benign. Review status: criteria provided, multiple submitters, no conflicts (2 of 4 stars). 2 submissions from 2 submitters: Likely benign (2). Last evaluated 2018-06-16.

Allele frequency attached by ClinVar (database versions not stated): gnomAD 0.01556 and 0.01517; 1000 Genomes Project 0.00559; TOPMed 0.01566; 1000 Genomes Project 30x 0.00640.
gnomAD v4.1: 23,677 of 1,170,146 alleles (2%); highest among the groups gnomAD compares: Non-Finnish European, 2.5%; 329 homozygotes.

Submissions (2):

GeneDx
Classification: Likely benign. Last evaluated: 2018-06-16. Review status: criteria provided, single submitter. Criteria: GeneDx Variant Classification (06012015). Collection method: clinical testing. Allele origin: germline. Affected: yes.
Comment: This variant is considered likely benign or benign based on one or more of the following criteria: it is a conservative change, it occurs at a poorly conserved position in the protein, it is predicted to be benign by multiple in silico algorithms, and/or has population frequency not consistent with disease.

Breakthrough Genomics
Classification: Likely benign. Review status: criteria provided, single submitter. Criteria: ACMG Guidelines, 2015. Collection method: not provided. Allele origin: germline. Inheritance: Autosomal dominant inheritance. Affected: yes.

NM_001083603.3(PTCH1):c.-86A>T

Gene: PTCH1 (patched 1; minus strand). Cytogenetic location: 9q22.32.
Variant type: single nucleotide variant.
Coding change: c.-86A>T on transcript NM_001083603.3 (MANE Plus Clinical); 86 bases upstream of the start codon, A replaced by T.
Molecular consequence: 5 prime UTR variant.
Genome position (GRCh38, 1-based): chr9:95,516,906, T>A on the plus strand (A>T on the coding strand, the complement: PTCH1 is on the minus strand). VCF-style: chr9-95516906-T-A. GRCh37 (hg19) VCF-style: chr9-98279188-T-A.
Other names: c.-435A>T (NM_001083602.3, NM_001354919.2).
Identifiers: ClinVar variation 672583 (VCV000672583.4), dbSNP rs142761971, ClinGen allele CA196562848.